The following is an entry in ClinVar:

ClinVar aggregate classification (germline): Uncertain significance (1 of 4 stars; one submission).

Submission:

CeGaT Center for Human Genetics Tuebingen
Classification: Uncertain significance. Last evaluated: 2025-05-01. Review status: criteria provided, single submitter. Criteria: CeGaT Center For Human Genetics Tuebingen Variant Classification Criteria Version 2. Collection method: clinical testing. Allele origin: germline. Affected: yes. Observed: 1 variant allele.
Comment: ATP6V0A2: PM2

NM_012463.4(ATP6V0A2):c.391A>G (p.Met131Val)

Gene: ATP6V0A2 (ATPase H+ transporting V0 subunit a2; plus strand). Cytogenetic location: 12q24.31.
Variant type: single nucleotide variant.
Coding change: c.391A>G on transcript NM_012463.4 (MANE Select); coding-DNA position 391, A replaced by G.
Protein change: p.Met131Val; replaces methionine 131 with valine.
Molecular consequence: missense variant.
Genome position (GRCh38, 1-based): chr12:123,724,750, A>G. VCF-style: chr12-123724750-A-G. GRCh37 (hg19) VCF-style: chr12-124209297-A-G.
Other names: short protein forms M131V.
Identifiers: ClinVar variation 3905064 (VCV003905064.10).